The following is an entry in ClinVar:

ClinVar aggregate classification (germline): Uncertain significance (1 of 4 stars; one submission).

Conditions:
Autosomal dominant nocturnal frontal lobe epilepsy 5. Also called: Epilepsy, nocturnal frontal lobe, 5; KCNT1-Related Epilepsy; CILIARY DYSKINESIA, PRIMARY, 28, WITHOUT SITUS INVERSUS; CILIARY DYSKINESIA, PRIMARY, 28, WITH SITUS INVERSUS. Identifiers: Orphanet 98784, MedGen C3554306, MONDO:0014002, OMIM 615005.
Developmental and epileptic encephalopathy, 14 (DEE14). Also called: Early infantile epileptic encephalopathy 14. Identifiers: Orphanet 293181, MedGen C3554195, MONDO:0013989, OMIM 614959.

gnomAD v4.1: 2 of 1,613,570 alleles (0.00012%); highest among the groups gnomAD compares: African/African-American, 0.0027%; no homozygotes.

Submission:

Labcorp Genetics (formerly Invitae), Labcorp
Classification: Uncertain significance for Autosomal dominant nocturnal frontal lobe epilepsy 5; Developmental and epileptic encephalopathy, 14. Last evaluated: 2024-10-24. Review status: criteria provided, single submitter. Criteria: Invitae Variant Classification Sherloc (09022015). Collection method: clinical testing. Allele origin: germline.
Comment: This sequence change replaces methionine, which is neutral and non-polar, with valine, which is neutral and non-polar, at codon 267 of the KCNT1 protein (p.Met267Val). This variant is present in population databases (no rsID available, gnomAD 0.01%). This variant has not been reported in the literature in individuals affected with KCNT1-related conditions. Invitae Evidence Modeling of protein sequence and biophysical properties (such as structural, functional, and spatial information, amino acid conservation, physicochemical variation, residue mobility, and thermodynamic stability) indicates that this missense variant is not expected to disrupt KCNT1 protein function with a negative predictive value of 80%. This variant disrupts the p.Met267 amino acid residue in KCNT1. Other variant(s) that disrupt this residue have been determined to be pathogenic (PMID: 28973083, 31618474). This suggests that this residue is clinically significant, and that variants that disrupt this residue are likely to be disease-causing. In summary, the available evidence is currently insufficient to determine the role of this variant in disease. Therefore, it has been classified as a Variant of Uncertain Significance.

Literature cited by the submitters: PubMed 28973083; PubMed 31618474.

NM_020822.3(KCNT1):c.799A>G (p.Met267Val)

Gene: KCNT1 (potassium sodium-activated channel subfamily T member 1; plus strand). Cytogenetic location: 9q34.3.
Variant type: single nucleotide variant.
Coding change: c.799A>G on transcript NM_020822.3 (MANE Select); coding-DNA position 799, A replaced by G.
Protein change: p.Met267Val; replaces methionine 267 with valine.
Molecular consequence: missense variant.
Genome position (GRCh38, 1-based): chr9:135,758,453, A>G. VCF-style: chr9-135758453-A-G. GRCh37 (hg19) VCF-style: chr9-138650299-A-G.
Other names: c.655A>G, p.Met219Val (NM_001272003.2); short protein forms M219V, M267V.
Identifiers: ClinVar variation 3762664 (VCV003762664.2).